The following is an entry in ClinVar:

NM_033641.4(COL4A6):c.3970+5G>A

Gene: COL4A6 (collagen type IV alpha 6 chain; minus strand). Cytogenetic location: Xq22.3.
Variant type: single nucleotide variant.
Coding change: c.3970+5G>A on transcript NM_033641.4 (MANE Select); 5 bases into the intron after coding-DNA position 3970, G replaced by A.
Molecular consequence: intron variant.
Genome position (GRCh38, 1-based): chrX:108,164,872, C>T on the plus strand (G>A on the coding strand, the complement: COL4A6 is on the minus strand). VCF-style: chrX-108164872-C-T. GRCh37 (hg19) VCF-style: chrX-107408102-C-T.
Other names: c.3973+5G>A (NM_001847.4, NM_001847.3); c.3898+5G>A (NM_001287760.2, NM_001287759.2); c.4021+5G>A (NM_001287758.2).
Identifiers: ClinVar variation 2194036 (VCV002194036.6), dbSNP rs770726601, ClinGen allele CA334036068.

ClinVar aggregate classification (germline): Conflicting classifications of pathogenicity. Review status: criteria provided, conflicting classifications (1 of 4 stars). 3 submissions from 3 submitters: Uncertain significance (2); Likely benign (1). Last evaluated 2024-12-16.

Conditions:
COL4A6-related disorder. Also called: COL4A6-related condition.

Allele frequency attached by ClinVar (database versions not stated): gnomAD 0.00002; TOPMed 0.00002.
gnomAD v4.1: 31 of 1,196,772 alleles (0.0026%); highest among the groups gnomAD compares: Non-Finnish European, 0.0035%; no homozygotes.

Submissions (3):

Labcorp Genetics (formerly Invitae), Labcorp
Classification: Uncertain significance. Last evaluated: 2024-12-16. Review status: criteria provided, single submitter. Criteria: Invitae Variant Classification Sherloc (09022015). Collection method: clinical testing. Allele origin: germline.
Comment: This sequence change falls in intron 39 of the COL4A6 gene. It does not directly change the encoded amino acid sequence of the COL4A6 protein. It affects a nucleotide within the consensus splice site. This variant is present in population databases (rs770726601, gnomAD 0.004%). This variant has not been reported in the literature in individuals affected with COL4A6-related conditions. ClinVar contains an entry for this variant (Variation ID: 2194036). Variants that disrupt the consensus splice site are a relatively common cause of aberrant splicing (PMID: 17576681, 9536098). Algorithms developed to predict the effect of sequence changes on RNA splicing suggest that this variant is not likely to affect RNA splicing. In summary, the available evidence is currently insufficient to determine the role of this variant in disease. Therefore, it has been classified as a Variant of Uncertain Significance.

PreventionGenetics, part of Exact Sciences
Classification: Likely benign for COL4A6-related condition. Last evaluated: 2024-10-28. Review status: criteria provided, single submitter. Criteria: ACMG Guidelines, 2015. Collection method: clinical testing. Allele origin: germline.
Comment: This variant is classified as likely benign based on ACMG/AMP sequence variant interpretation guidelines (Richards et al. 2015 PMID: 25741868, with internal and published modifications).

Blueprint Genetics
Classification: Uncertain significance. Last evaluated: 2024-02-05. Review status: criteria provided, single submitter. Criteria: ACMG Guidelines, 2015. Collection method: clinical testing. Allele origin: germline.

Literature cited by the submitters: PubMed 17576681 (cited by Labcorp Genetics (formerly Invitae), Labcorp); PubMed 9536098 (cited by Labcorp Genetics (formerly Invitae), Labcorp).